The following is an entry in ClinVar:

ClinVar aggregate classification (germline): Benign. Review status: criteria provided, multiple submitters, no conflicts (2 of 4 stars). 16 submissions from 13 submitters: Benign (11). 5 of the submissions do not count toward it. Last evaluated 2026-02-03.

Conditions:
Emery-Dreifuss muscular dystrophy 4, autosomal dominant (EDMD4). Also called: EMERY-DREIFUSS MUSCULAR DYSTROPHY 4 WITH VARIABLE FEATURES. Identifiers: Orphanet 261, MedGen C2751807, MONDO:0013071, OMIM 612998.
Autosomal recessive ataxia, Beauce type. Also called: SYNE1 Deficiency; Spinocerebellar ataxia, autosomal recessive 8; ATAXIA, RECESSIVE, OF BEAUCE; SYNE1-Related Autosomal Recessive Cerebellar Ataxia. Identifiers: Orphanet 88644, MedGen C1853116, MONDO:0012549, OMIM 610743.
Arthrogryposis multiplex congenita 3, myogenic type. Also called: ARTHROGRYPOSIS MULTIPLEX CONGENITA, MYOGENIC TYPE. Identifiers: MedGen C5193121, MONDO:0032778, OMIM 618484.

Allele frequency attached by ClinVar (database versions not stated): gnomAD exomes 0.57563 and 0.61085; ExAC 0.61090; gnomAD 0.62211 and 0.62436; ESP Exome Variant Server 0.62348; TOPMed 0.64333; 1000 Genomes Project 0.68970; 1000 Genomes Project 30x 0.69285.
gnomAD v4.1: 937,271 of 1,613,882 alleles (58%); highest among the groups gnomAD compares: African/African-American, 75%; 275,698 homozygotes.

Submissions (16):

Labcorp Genetics (formerly Invitae), Labcorp
Classification: Benign for Emery-Dreifuss muscular dystrophy 4, autosomal dominant; Autosomal recessive ataxia, Beauce type. Last evaluated: 2026-02-03. Review status: criteria provided, single submitter. Criteria: Invitae Variant Classification Sherloc (09022015). Collection method: clinical testing. Allele origin: germline.

Blueprint Genetics
Classification: Benign. Last evaluated: 2024-11-27. Review status: criteria provided, single submitter. Criteria: ACMG Guidelines, 2015. Collection method: clinical testing. Allele origin: germline.

Genome-Nilou Lab
Classification: Benign for Arthrogryposis multiplex congenita 3, myogenic type. Last evaluated: 2021-07-15. Review status: criteria provided, single submitter. Criteria: ACMG Guidelines, 2015. Collection method: clinical testing. Allele origin: germline. Affected: no.

Genome-Nilou Lab
Classification: Benign for Emery-Dreifuss muscular dystrophy 4, autosomal dominant. Last evaluated: 2021-07-15. Review status: criteria provided, single submitter. Criteria: ACMG Guidelines, 2015. Collection method: clinical testing. Allele origin: germline. Affected: no.

Genome-Nilou Lab
Classification: Benign for Autosomal recessive ataxia, Beauce type. Last evaluated: 2021-07-15. Review status: criteria provided, single submitter. Criteria: ACMG Guidelines, 2015. Collection method: clinical testing. Allele origin: germline. Affected: no.

Athena Diagnostics
Classification: Benign. Last evaluated: 2018-11-02. Review status: criteria provided, single submitter. Criteria: Athena Diagnostics Criteria. Collection method: clinical testing. Allele origin: germline.

Illumina Laboratory Services, Illumina
Classification: Benign for Autosomal recessive ataxia, Beauce type. Last evaluated: 2018-01-13. Review status: criteria provided, single submitter. Criteria: ICSL Variant Classification Criteria 13 December 2019. Collection method: clinical testing. Allele origin: germline.
Comment: This variant was observed in the ICSL laboratory as part of a predisposition screen in an ostensibly healthy population. It had not been previously curated by ICSL or reported in the Human Gene Mutation Database (HGMD: prior to June 1st, 2018), and was therefore a candidate for classification through an automated scoring system. Utilizing variant allele frequency, disease prevalence and penetrance estimates, and inheritance mode, an automated score was calculated to assess if this variant is too frequent to cause the disease. Based on the score and internal cut-off values, a variant classified as benign is not then subjected to further curation. The score for this variant resulted in a classification of benign for this disease.

Illumina Laboratory Services, Illumina
Classification: Benign for Emery-Dreifuss muscular dystrophy 4, autosomal dominant. Last evaluated: 2018-01-13. Review status: criteria provided, single submitter. Criteria: ICSL Variant Classification Criteria 13 December 2019. Collection method: clinical testing. Allele origin: germline.
Comment: the same text as in the submission from Illumina Laboratory Services, Illumina above.

Mayo Clinic Laboratories, Mayo Clinic
Classification: Benign. Last evaluated: 2017-07-24. Review status: criteria provided, single submitter. Criteria: ACMG Guidelines, 2015. Collection method: clinical testing. Allele origin: germline. Observed: 954 variant alleles.

GeneDx
Classification: Benign. Last evaluated: 2016-01-25. Review status: criteria provided, single submitter. Criteria: GeneDx Variant Classification (06012015). Collection method: clinical testing. Allele origin: germline. Affected: yes.
Comment: This variant is considered likely benign or benign based on one or more of the following criteria: it is a conservative change, it occurs at a poorly conserved position in the protein, it is predicted to be benign by multiple in silico algorithms, and/or has population frequency not consistent with disease.

PreventionGenetics, part of Exact Sciences
Classification: Benign. Review status: criteria provided, single submitter. Criteria: ACMG Guidelines, 2015. Collection method: clinical testing. Allele origin: germline.

Clinical Genetics DNA and cytogenetics Diagnostics Lab, Erasmus MC, Erasmus Medical Center
Classification: Benign. Review status: no assertion criteria provided. Collection method: clinical testing. Allele origin: germline. Affected: yes. Study: VKGL Data-share Consensus. Not counted in ClinVar's aggregate classification.

Clinical Genetics, Academic Medical Center
Classification: Benign. Review status: no assertion criteria provided. Collection method: clinical testing. Allele origin: germline. Affected: yes. Study: VKGL Data-share Consensus. Not counted in ClinVar's aggregate classification.

Diagnostic Laboratory, Department of Genetics, University Medical Center Groningen
Classification: Benign. Review status: no assertion criteria provided. Collection method: clinical testing. Allele origin: germline. Affected: yes. Study: VKGL Data-share Consensus. Not counted in ClinVar's aggregate classification.

Genetic Services Laboratory, University of Chicago
Classification: Likely benign for AllHighlyPenetrant. Review status: no assertion criteria provided. Collection method: clinical testing. Allele origin: germline. Inheritance: Autosomal dominant inheritance. Not counted in ClinVar's aggregate classification.
Comment: Likely benign based on allele frequency in 1000 Genomes Project or ESP global frequency and its presence in a patient with a rare or unrelated disease phenotype. NOT Sanger confirmed.

Joint Genome Diagnostic Labs from Nijmegen and Maastricht, Radboudumc and MUMC+
Classification: Benign. Review status: no assertion criteria provided. Collection method: clinical testing. Allele origin: germline. Affected: yes. Study: VKGL Data-share Consensus. Not counted in ClinVar's aggregate classification.

NM_182961.4(SYNE1):c.25038T>C (p.Arg8346=)

Gene: SYNE1 (spectrin repeat containing nuclear envelope protein 1; minus strand). Cytogenetic location: 6q25.2.
Variant type: single nucleotide variant.
Coding change: c.25038T>C on transcript NM_182961.4 (MANE Select); coding-DNA position 25038, T replaced by C.
Protein change: p.Arg8346=; no amino-acid change (arginine 8346 retained).
Molecular consequence: synonymous variant.
Genome position (GRCh38, 1-based): chr6:152,143,704, A>G on the plus strand (T>C on the coding strand, the complement: SYNE1 is on the minus strand). VCF-style: chr6-152143704-A-G. GRCh37 (hg19) VCF-style: chr6-152464839-A-G.
Other names: p.Arg8298=; c.1644T>C, p.Arg548= (NM_001347701.2); c.1572T>C, p.Arg524= (NM_001347702.2); c.24894T>C, p.Arg8298= (NM_033071.5).
Identifiers: ClinVar variation 130430 (VCV000130430.31), dbSNP rs2256135, ClinGen allele CA155436.
Genomic context (GRCh38, chr6:152,143,704, plus strand): 5'-TAGCTCCGGCCCCGTGGGAGTTTTGCTGCGAATGATATTTTCGGTTTGCTGTATCTGAAA[A>G]CGGCTATCATCCAGGGCTTTGCCCAGTTGTCGGATCTGTGACTCTAGGGCACTGTGGTCC-3'
Protein context (NP_892006.3, residues 8336-8356): RQLGKALDDS[Arg8346=]FQIQQTENII